The following is an entry in ClinVar:

ClinVar aggregate classification (germline): Likely benign (1 of 4 stars; one submission).

Submission:

CeGaT Center for Human Genetics Tuebingen
Classification: Likely benign. Last evaluated: 2023-07-01. Review status: criteria provided, single submitter. Criteria: CeGaT Center For Human Genetics Tuebingen Variant Classification Criteria Version 2. Collection method: clinical testing. Allele origin: germline. Affected: yes. Observed: 1 variant allele.
Comment: TET3: PM2:Supporting, BP4, BP7

NM_001287491.2(TET3):c.4617A>C (p.Ala1539=)

Gene: TET3 (tet methylcytosine dioxygenase 3; plus strand). Cytogenetic location: 2p13.1.
Variant type: single nucleotide variant.
Coding change: c.4617A>C on transcript NM_001287491.2 (MANE Select); coding-DNA position 4617, A replaced by C.
Protein change: p.Ala1539=; no amino-acid change (alanine 1539 retained).
Molecular consequence: synonymous variant.
Genome position (GRCh38, 1-based): chr2:74,101,405, A>C. VCF-style: chr2-74101405-A-C. GRCh37 (hg19) VCF-style: chr2-74328532-A-C.
Other names: c.4338A>C, p.Ala1446= (NM_001366022.1); c.4212A>C, p.Ala1404= (NM_144993.1).
Identifiers: ClinVar variation 2651055 (VCV002651055.24), dbSNP rs2528196306, ClinGen allele CA427028957.